The following is an entry in ClinVar:

ClinVar aggregate classification (germline): Conflicting classifications of pathogenicity. Review status: criteria provided, conflicting classifications (1 of 4 stars). 4 submissions from 4 submitters: Uncertain significance (1); Likely benign (3). Last evaluated 2026-01-13.

Conditions:
LOXHD1-related disorder. Also called: LOXHD1-related condition.
Inborn genetic diseases. Identifiers: MedGen C0950123, MeSH D030342.

Allele frequency attached by ClinVar (database versions not stated): gnomAD exomes 0.00008 and 0.00023; ExAC 0.00056; gnomAD 0.00070 and 0.00073; 1000 Genomes Project 0.00080; TOPMed 0.00088; 1000 Genomes Project 30x 0.00094; ESP Exome Variant Server 0.00110.
gnomAD v4.1: 215 of 1,542,276 alleles (0.014%); highest among the groups gnomAD compares: African/African-American, 0.27%; 1 homozygote.

Submissions (4):

Labcorp Genetics (formerly Invitae), Labcorp
Classification: Likely benign. Last evaluated: 2026-01-13. Review status: criteria provided, single submitter. Criteria: Invitae Variant Classification Sherloc (09022015). Collection method: clinical testing. Allele origin: germline.

PreventionGenetics, part of Exact Sciences
Classification: Likely benign for LOXHD1-related condition. Last evaluated: 2025-11-10. Review status: criteria provided, single submitter. Criteria: ACMG Guidelines, 2015. Collection method: clinical testing. Allele origin: germline.
Comment: This variant is classified as likely benign based on ACMG/AMP sequence variant interpretation guidelines (Richards et al. 2015 PMID: 25741868, with internal and published modifications).

Ambry Genetics
Classification: Uncertain significance for Inborn genetic diseases. Last evaluated: 2021-08-02. Review status: criteria provided, single submitter. Criteria: Ambry Variant Classification Scheme 2023. Collection method: clinical testing. Allele origin: germline.

Laboratory for Molecular Medicine, Mass General Brigham Personalized Medicine
Classification: Likely benign. Last evaluated: 2016-02-02. Review status: criteria provided, single submitter. Criteria: LMM Criteria. Collection method: clinical testing. Allele origin: germline. Observed: 1 variant allele.
Comment: p.Thr895Ser in exon 19 of LOXHD1: This variant is not expected to have clinical significance because it has been identified in 0.4% (11/2250) of African chromos omes by the Exome Aggregation Consortium (ExAC; dbSNP rs115042043).

NM_001384474.1(LOXHD1):c.2684C>G (p.Thr895Ser)

Gene: LOXHD1 (lipoxygenase homology PLAT domains 1; minus strand). Cytogenetic location: 18q21.1.
Variant type: single nucleotide variant.
Coding change: c.2684C>G on transcript NM_001384474.1 (MANE Select); coding-DNA position 2684, C replaced by G.
Protein change: p.Thr895Ser; replaces threonine 895 with serine.
Molecular consequence: missense variant.
Genome position (GRCh38, 1-based): chr18:46,560,460, G>C on the plus strand (C>G on the coding strand, the complement: LOXHD1 is on the minus strand). VCF-style: chr18-46560460-G-C. GRCh37 (hg19) VCF-style: chr18-44140423-G-C.
Other names: c.2684C>G, p.Thr895Ser (NM_144612.7); short protein forms T895S.
Identifiers: ClinVar variation 227514 (VCV000227514.17), dbSNP rs115042043, ClinGen allele CA8952635.